The following is an entry in ClinVar:

ClinVar aggregate classification (germline): Uncertain significance. Review status: criteria provided, single submitter (1 of 4 stars). 2 submissions from 2 submitters: Uncertain significance (1). 1 of the submissions does not count toward it. Last evaluated 2024-10-18.

Conditions:
CIC-related disorder. Also called: CIC-related condition.

Submissions (2):

Blueprint Genetics
Classification: Uncertain significance. Last evaluated: 2024-10-18. Review status: criteria provided, single submitter. Criteria: ACMG Guidelines, 2015. Collection method: clinical testing. Allele origin: germline.

PreventionGenetics, part of Exact Sciences
Classification: Uncertain significance for CIC-related condition. Last evaluated: 2024-02-24. Review status: no assertion criteria provided. Collection method: clinical testing. Allele origin: germline. Not counted in ClinVar's aggregate classification.
Comment: The CIC c.1021C>T variant is predicted to result in the amino acid substitution p.Pro341Ser. To our knowledge, this variant has not been reported in the literature or in a large population database, indicating this variant is rare. At this time, the clinical significance of this variant is uncertain due to the absence of conclusive functional and genetic evidence.

NM_001386298.1(CIC):c.1021C>T (p.Pro341Ser)

Gene: CIC (capicua transcriptional repressor; plus strand). Cytogenetic location: 19q13.2.
Variant type: single nucleotide variant.
Coding change: c.1021C>T on transcript NM_001386298.1 (MANE Select); coding-DNA position 1021, C replaced by T.
Protein change: p.Pro341Ser; replaces proline 341 with serine.
Molecular consequence: missense variant.
Genome position (GRCh38, 1-based): chr19:42,272,804, C>T. VCF-style: chr19-42272804-C-T. GRCh37 (hg19) VCF-style: chr19-42776956-C-T.
Other names: c.1021C>T, p.Pro341Ser (NM_001304815.2, NM_001379480.1, NM_001379482.1 and 1 more transcripts); short protein forms P341S.
Identifiers: ClinVar variation 2633531 (VCV002633531.4), dbSNP rs1013392127, ClinGen allele CA406083694.